The following is an entry in ClinVar:

ClinVar aggregate classification (germline): Uncertain significance (1 of 4 stars; one submission).

gnomAD v4.1: 3 of 1,613,050 alleles (0.00019%); highest among the groups gnomAD compares: Non-Finnish European, 0.00025%; no homozygotes.

Submission:

GeneDx
Classification: Uncertain significance. Last evaluated: 2023-07-27. Review status: criteria provided, single submitter. Criteria: GeneDx Variant Classification Process June 2021. Collection method: clinical testing. Allele origin: germline. Affected: yes.
Comment: Not observed at significant frequency in large population cohorts (gnomAD); In silico analysis supports that this missense variant has a deleterious effect on protein structure/function; Has not been previously published as pathogenic or benign to our knowledge

NM_001281775.3(ZMYND8):c.637A>G (p.Met213Val)

Gene: ZMYND8 (zinc finger MYND-type containing 8; minus strand). Cytogenetic location: 20q13.12.
Variant type: single nucleotide variant.
Coding change: c.637A>G on transcript NM_001281775.3 (MANE Select); coding-DNA position 637, A replaced by G.
Protein change: p.Met213Val; replaces methionine 213 with valine.
Molecular consequence: missense variant. On other transcripts: 5 prime UTR variant (2).
Genome position (GRCh38, 1-based): chr20:47,291,819, T>C on the plus strand (A>G on the coding strand, the complement: ZMYND8 is on the minus strand). VCF-style: chr20-47291819-T-C. GRCh37 (hg19) VCF-style: chr20-45920563-T-C.
Other names: c.562A>G, p.Met188Val (NM_001281771.3, NM_001281777.3, NM_001281778.3 and 4 more transcripts); c.577A>G, p.Met193Val (NM_001281772.3, NM_001281773.3, NM_001281774.3 and 1 more transcripts); c.637A>G, p.Met213Val (NM_001281776.3, NM_001281783.3, NM_012408.6 and 1 more transcripts); c.-299A>G (NM_001281779.3, NM_001281780.3); c.658A>G, p.Met220Val (NM_001363714.1); short protein forms M188V, M193V, M213V, M220V.
Identifiers: ClinVar variation 3361795 (VCV003361795.1).
Genomic context (GRCh38, chr20:47,291,819, plus strand): 5'-TGGGCTAGAATGGTGAGGTTCTTTGACGGAGGCCAACCTTTTCCAATGTACAAAGGTCCA[T>C]TGGATGGAAGATGTATTCCGCATAGTCAGGGTGCTGTTCCAATGGAACGGGCTTCTGGAA-3'
Protein context (NP_001268704.1, residues 203-223): PDYAEYIFHP[Met213Val]DLCTLEKNAK